The following is an entry in ClinVar:

ClinVar aggregate classification (germline): Uncertain significance (1 of 4 stars; one submission).

Submission:

GeneDx
Classification: Uncertain significance. Last evaluated: 2023-12-05. Review status: criteria provided, single submitter. Criteria: GeneDx Variant Classification Process June 2021. Collection method: clinical testing. Allele origin: germline. Affected: yes.
Comment: Has not been previously published as pathogenic or benign to our knowledge; Not observed at significant frequency in large population cohorts (gnomAD); In silico analysis supports that this missense variant does not alter protein structure/function

NM_002471.4(MYH6):c.1250G>A (p.Ser417Asn)

Gene: MYH6 (myosin heavy chain 6; minus strand). Cytogenetic location: 14q11.2.
Variant type: single nucleotide variant.
Coding change: c.1250G>A on transcript NM_002471.4 (MANE Select); coding-DNA position 1250, G replaced by A.
Protein change: p.Ser417Asn; replaces serine 417 with asparagine.
Molecular consequence: missense variant.
Genome position (GRCh38, 1-based): chr14:23,400,869, C>T on the plus strand (G>A on the coding strand, the complement: MYH6 is on the minus strand). VCF-style: chr14-23400869-C-T. GRCh37 (hg19) VCF-style: chr14-23870078-C-T.
Other names: short protein forms S417N.
Identifiers: ClinVar variation 3365080 (VCV003365080.1).
Genomic context (GRCh38, chr14:23,400,869, plus strand): 5'-AACATCTTCTCATACACTGCCTTGGCCAGAGCCCCGATGGAGTAGTACACCTGCTGCACG[C>T]TCTGCCCCTTGGTGACATACTCGTTGCCCACTTTCACCCGAGGGTGGCACAGCCCCTTGA-3'
Protein context (NP_002462.2, residues 407-427): VGNEYVTKGQ[Ser417Asn]VQQVYYSIGA